The following is an entry in ClinVar:

NM_000306.4(POU1F1):c.439+4T>C

Gene: POU1F1 (POU class 1 homeobox 1; minus strand). Cytogenetic location: 3p11.2.
Variant type: single nucleotide variant.
Coding change: c.439+4T>C on transcript NM_000306.4 (MANE Select); 4 bases into the intron after coding-DNA position 439, T replaced by C.
Molecular consequence: intron variant.
Genome position (GRCh38, 1-based): chr3:87,264,284, A>G on the plus strand (T>C on the coding strand, the complement: POU1F1 is on the minus strand). VCF-style: chr3-87264284-A-G. GRCh37 (hg19) VCF-style: chr3-87313434-A-G.
Other names: c.517+4T>C (NM_001122757.3).
Identifiers: ClinVar variation 513086 (VCV000513086.10), dbSNP rs199746697, ClinGen allele CA2501208.
Genomic context (GRCh38, chr3:87,264,284, plus strand): 5'-ATTTAACAGCAATAAAGATTTGCAAACCAAGTTCTTTTTCCTGTTGCCTTTAACAAGCAC[A>G]TACCTAATTTAATTCGTCTCACTTTAAATTCATTGGCAAACTTTTCAAGTTCTCTGATTT-3'

ClinVar aggregate classification (germline): Conflicting classifications of pathogenicity. Review status: criteria provided, conflicting classifications (1 of 4 stars). 5 submissions from 5 submitters: Uncertain significance (1); Likely benign (4). Last evaluated 2025-11-13.

Conditions:
Pituitary hormone deficiency, combined, 1 (CPHD1). Also called: Pituitary hormone deficiency, combined or isolated, 1. Identifiers: MedGen C2751608, MONDO:0024464, OMIM 613038.

Allele frequency attached by ClinVar (database versions not stated): gnomAD exomes 0.00006 and 0.00015; gnomAD 0.00008 and 0.00009; ExAC 0.00011; TOPMed 0.00011; ESP Exome Variant Server 0.00015.
gnomAD v4.1: 122 of 1,603,660 alleles (0.0076%); highest among the groups gnomAD compares: Middle Eastern, 0.017%; no homozygotes.

Submissions (5):

Labcorp Genetics (formerly Invitae), Labcorp
Classification: Likely benign. Last evaluated: 2025-11-13. Review status: criteria provided, single submitter. Criteria: Invitae Variant Classification Sherloc (09022015). Collection method: clinical testing. Allele origin: germline.

Women's Health and Genetics/Laboratory Corporation of America, LabCorp
Classification: Likely benign. Last evaluated: 2025-10-06. Review status: criteria provided, single submitter. Criteria: LabCorp Variant Classification Summary - May 2015. Collection method: clinical testing. Allele origin: germline.
Comment: Variant summary: POU1F1 c.439+4T>C alters a non-conserved nucleotide located close to a canonical splice site and therefore could affect mRNA splicing, leading to a significantly altered protein sequence. Consensus agreement among computation tools predict no significant impact on normal splicing. However, these predictions have yet to be confirmed by functional studies. The variant allele was found at a frequency of 0.00014 in 281962 control chromosomes, predominantly at a frequency of 0.003 within the Ashkenazi Jewish subpopulation in the gnomAD database. To our knowledge, no occurrence of c.439+4T>C in individuals affected with POU1F1-related conditions and no experimental evidence demonstrating its impact on protein function have been reported. ClinVar contains an entry for this variant (Variation ID: 513086). Based on the evidence outlined above, the variant was classified as likely benign.

Blueprint Genetics
Classification: Likely benign. Last evaluated: 2023-11-03. Review status: criteria provided, single submitter. Criteria: ACMG Guidelines, 2015. Collection method: clinical testing. Allele origin: germline.

Illumina Laboratory Services, Illumina
Classification: Uncertain significance for Pituitary hormone deficiency, combined, 1. Last evaluated: 2018-01-12. Review status: criteria provided, single submitter. Criteria: ICSL Variant Classification Criteria 13 December 2019. Collection method: clinical testing. Allele origin: germline.

GeneDx
Classification: Likely benign. Last evaluated: 2017-11-07. Review status: criteria provided, single submitter. Criteria: GeneDx Variant Classification (06012015). Collection method: clinical testing. Allele origin: germline. Affected: yes.
Comment: This variant is considered likely benign or benign based on one or more of the following criteria: it is a conservative change, it occurs at a poorly conserved position in the protein, it is predicted to be benign by multiple in silico algorithms, and/or has population frequency not consistent with disease.